The following is an entry in ClinVar:

ClinVar aggregate classification (germline): Uncertain significance. Review status: criteria provided, multiple submitters, no conflicts (2 of 4 stars). 2 submissions from 2 submitters: Uncertain significance (2). Last evaluated 2025-09-23.

Allele frequency attached by ClinVar (database versions not stated): gnomAD exomes below 0.00001; TOPMed below 0.00001.
gnomAD v4.1: 4 of 1,614,226 alleles (0.00025%); highest among the groups gnomAD compares: Middle Eastern, 0.016%; no homozygotes.

Submissions (2):

GeneDx
Classification: Uncertain significance. Last evaluated: 2025-09-23. Review status: criteria provided, single submitter. Criteria: GeneDx Variant Classification Process June 2021. Collection method: clinical testing. Allele origin: germline. Affected: yes.
Comment: Not observed at significant frequency in large population cohorts (gnomAD); In silico analysis suggests that this missense variant does not alter protein structure/function; Has not been previously published as pathogenic or benign to our knowledge

Blueprint Genetics
Classification: Uncertain significance. Last evaluated: 2020-08-28. Review status: criteria provided, single submitter. Criteria: ACMG Guidelines, 2015. Collection method: clinical testing. Allele origin: germline.

NM_001042472.3(ABHD12):c.224T>A (p.Ile75Lys)

Gene: ABHD12 (abhydrolase domain containing 12, lysophospholipase; minus strand). Cytogenetic location: 20p11.21.
Variant type: single nucleotide variant.
Coding change: c.224T>A on transcript NM_001042472.3 (MANE Select); coding-DNA position 224, T replaced by A.
Protein change: p.Ile75Lys; replaces isoleucine 75 with lysine.
Molecular consequence: missense variant.
Genome position (GRCh38, 1-based): chr20:25,339,319, A>T on the plus strand (T>A on the coding strand, the complement: ABHD12 is on the minus strand). VCF-style: chr20-25339319-A-T. GRCh37 (hg19) VCF-style: chr20-25319955-A-T.
Other names: c.224T>A, p.Ile75Lys (NM_015600.5); short protein forms I75K.
Identifiers: ClinVar variation 1712017 (VCV001712017.4), dbSNP rs1345286988, ClinGen allele CA408445904.